The following is an entry in ClinVar:

NM_001282531.3(ADNP):c.2386T>C (p.Trp796Arg)

Gene: ADNP (activity dependent neuroprotector homeobox; minus strand). Cytogenetic location: 20q13.13.
Variant type: single nucleotide variant.
Coding change: c.2386T>C on transcript NM_001282531.3 (MANE Select); coding-DNA position 2386, T replaced by C.
Protein change: p.Trp796Arg; replaces tryptophan 796 with arginine.
Molecular consequence: missense variant.
Genome position (GRCh38, 1-based): chr20:50,892,328, A>G on the plus strand (T>C on the coding strand, the complement: ADNP is on the minus strand). VCF-style: chr20-50892328-A-G. GRCh37 (hg19) VCF-style: chr20-49508865-A-G.
Other names: c.2386T>C, p.Trp796Arg (NM_001282532.2, NM_001347511.2, NM_015339.5 and 1 more transcripts); short protein forms W796R.
Identifiers: ClinVar variation 1707009 (VCV001707009.2), dbSNP rs2515578698, ClinGen allele CA408970307.

ClinVar aggregate classification (germline): Uncertain significance (1 of 4 stars; one submission).

Submission:

GeneDx
Classification: Uncertain significance. Last evaluated: 2022-03-22. Review status: criteria provided, single submitter. Criteria: GeneDx Variant Classification Process June 2021. Collection method: clinical testing. Allele origin: germline. Affected: yes.
Comment: Not observed at significant frequency in large population cohorts (gnomAD); In silico analysis supports that this missense variant has a deleterious effect on protein structure/function; Has not been previously published as pathogenic or benign to our knowledge